The following is an entry in ClinVar:

NM_000037.4(ANK1):c.3879G>A (p.Leu1293=)

Gene: ANK1 (ankyrin 1; minus strand). Cytogenetic location: 8p11.21.
Variant type: single nucleotide variant.
Coding change: c.3879G>A on transcript NM_000037.4 (MANE Select); coding-DNA position 3879, G replaced by A.
Protein change: p.Leu1293=; no amino-acid change (leucine 1293 retained).
Molecular consequence: synonymous variant.
Genome position (GRCh38, 1-based): chr8:41,690,579, C>T on the plus strand (G>A on the coding strand, the complement: ANK1 is on the minus strand). VCF-style: chr8-41690579-C-T. GRCh37 (hg19) VCF-style: chr8-41548097-C-T.
Other names: p.Leu1293=; c.4002G>A, p.Leu1334= (NM_001142446.2); c.3879G>A, p.Leu1293= (NM_020475.3, NM_020476.3, NM_020477.3).
Identifiers: ClinVar variation 4683331 (VCV004683331.1).

ClinVar aggregate classification (germline): Likely benign (1 of 4 stars; one submission).

gnomAD v4.1: 7 of 1,613,640 alleles (0.00043%); highest among the groups gnomAD compares: Admixed American, 0.005%; no homozygotes.

Submission:

Mayo Clinic Laboratories, Mayo Clinic
Classification: Likely benign. Last evaluated: 2025-07-22. Review status: criteria provided, single submitter. Criteria: ACMG Guidelines, 2015. Collection method: clinical testing. Allele origin: germline. Observed: 1 variant allele.
Comment: BP4, BP7, PM2_supporting